The following is an entry in ClinVar:

NM_001368894.2(PAX6):c.131G>A (p.Arg44Gln)

Gene: PAX6 (paired box 6; minus strand). Cytogenetic location: 11p13.
Variant type: single nucleotide variant.
Coding change: c.131G>A on transcript NM_001368894.2 (MANE Select); coding-DNA position 131, G replaced by A.
Protein change: p.Arg44Gln; replaces arginine 44 with glutamine.
Molecular consequence: missense variant. On other transcripts: 5 prime UTR variant (12), non-coding transcript variant (2), intron variant (2).
Genome position (GRCh38, 1-based): chr11:31,802,714, C>T on the plus strand (G>A on the coding strand, the complement: PAX6 is on the minus strand). VCF-style: chr11-31802714-C-T. GRCh37 (hg19) VCF-style: chr11-31824262-C-T.
Other names: c.131G>A, p.Arg44Gln (NM_001368890.2, NM_001368891.2, NM_001368892.2 and 30 more transcripts); c.-278G>A (NM_001368899.2, NM_001368901.2, NM_001368906.2 and 1 more transcripts); c.-320G>A (NM_001368900.2, NM_001368903.2, NM_001368908.2 and 2 more transcripts); c.-609G>A (NM_001368902.2); c.-651G>A (NM_001368905.2, NM_001310160.2); c.374G>A, p.Arg125Gln (NM_001368910.2); c.134G>A, p.Arg45Gln (NM_001368911.2); c.-267-938G>A (NM_001368909.2, NM_001368904.2); short protein forms R125Q, R44Q, R45Q.
Identifiers: ClinVar variation 5038062 (VCV005038062.1).

ClinVar aggregate classification (germline): Likely pathogenic (1 of 4 stars; one submission).

Conditions:
Structural eye disease.

Submission:

Genetics Laboratory, Great Ormond Street Hospital NHS Foundation Trust, North Thames Genomic Laboratory Hub
Classification: Likely pathogenic for Structural eye disease. Last evaluated: 2026-09-01. Review status: criteria provided, single submitter. Criteria: ACGS Best Practice Guidelines for Variant Classification in Rare Disease 2024 v1.2. Collection method: clinical testing. Allele origin: germline. Affected: yes.
Comment: PS4_supporting, PM2_moderate, PP3_supporting, PM5_moderate, PP2_supporting